The following is an entry in ClinVar:

NM_007294.4(BRCA1):c.4062T>C (p.Asn1354=)

Genes: BRCA1 (BRCA1 DNA repair associated; minus strand), LOC126862571 (BRD4-independent group 4 enhancer GRCh37_chr17:41243136-41244335; plus strand). Cytogenetic location: 17q21.31.
Variant type: single nucleotide variant.
Coding change: c.4062T>C on transcript NM_007294.4 (MANE Select); coding-DNA position 4062, T replaced by C.
Protein change: p.Asn1354=; no amino-acid change (asparagine 1354 retained).
Molecular consequence: synonymous variant. On other transcripts: intron variant (135).
Genome position (GRCh38, 1-based): chr17:43,091,469, A>G on the plus strand (T>C on the coding strand, the complement: BRCA1 is on the minus strand). VCF-style: chr17-43091469-A-G. GRCh37 (hg19) VCF-style: chr17-41243486-A-G.
Other names: c.3726T>C, p.Asn1242= (NM_001407954.1, NM_001407955.1, NM_001407956.1 and 1 more transcripts); c.3729T>C, p.Asn1243= (NM_001407957.1, NM_001407946.1, NM_001407947.1 and 6 more transcripts); c.3681T>C, p.Asn1227= (NM_001407959.1, NM_001407960.1, NM_001407963.1); c.3678T>C, p.Asn1226= (NM_001407962.1); c.3918T>C, p.Asn1306= (NM_001407964.1, NM_001407943.1, NM_001407740.1 and 20 more transcripts); c.3558T>C, p.Asn1186= (NM_001407965.1); c.3174T>C, p.Asn1058= (NM_001407966.1, NM_001407967.1); c.1458T>C, p.Asn486= (NM_001407968.1, NM_001407969.1); and 41 more.
Identifiers: ClinVar variation 3239389 (VCV003239389.20), dbSNP rs2552108187.
Genomic context (GRCh38, chr17:43,091,469, plus strand): 5'-CAAACACAAAAACCTGGTTCCAATACCTAAGTTTGAATCCATGCTTTGCTCTTCTTGATT[A>G]TTTTCTTCCAAGCCCGTTCCTCTTTCTTCATCATCTGAAACCAATTCCTTGTCACTCAGA-3'
Protein context (NP_009225.1, residues 1344-1364): DEERGTGLEE[Asn1354=]NQEEQSMDSN

ClinVar aggregate classification (germline): Conflicting classifications of pathogenicity. Review status: criteria provided, conflicting classifications (1 of 4 stars). 2 submissions from 2 submitters: Uncertain significance (1); Likely benign (1). Last evaluated 2024-09-20.

Submissions (2):

Quest Diagnostics Nichols Institute San Juan Capistrano
Classification: Uncertain significance. Last evaluated: 2024-09-20. Review status: criteria provided, single submitter. Criteria: Quest Diagnostics criteria. Collection method: clinical testing. Allele origin: unknown.
Comment: The BRCA1 c.4062T>C (p.Asn1354=) synonymous variant has not been reported in individuals with BRCA1-related conditions in the published literature. It also has not been reported in large, multi-ethnic general populations (Genome Aggregation Database). Analysis of this variant using software algorithms for the prediction of the effect of nucleotide changes on splicing yielded predictions that this variant does not affect BRCA1 mRNA splicing. Based on the available information, we are unable to determine the clinical significance of this variant.

CeGaT Center for Human Genetics Tuebingen
Classification: Likely benign. Last evaluated: 2024-05-01. Review status: criteria provided, single submitter. Criteria: CeGaT Center For Human Genetics Tuebingen Variant Classification Criteria Version 2. Collection method: clinical testing. Allele origin: germline. Affected: yes. Observed: 1 variant allele.
Comment: BRCA1: PM2:Supporting, BP4, BP7